The following is an entry in ClinVar:

ClinVar aggregate classification (germline): Uncertain significance. Review status: criteria provided, multiple submitters, no conflicts (2 of 4 stars). 2 submissions from 2 submitters: Uncertain significance (2). Last evaluated 2025-08-08.

Conditions:
Inborn genetic diseases. Identifiers: MedGen C0950123, MeSH D030342.

Allele frequency attached by ClinVar (database versions not stated): 1000 Genomes Project 30x 0.00047; 1000 Genomes Project 0.00060.

Submissions (2):

Ambry Genetics
Classification: Uncertain significance for Inborn genetic diseases. Last evaluated: 2025-08-08. Review status: criteria provided, single submitter. Criteria: Ambry Variant Classification Scheme 2023. Collection method: clinical testing. Allele origin: germline.

Labcorp Genetics (formerly Invitae), Labcorp
Classification: Uncertain significance. Last evaluated: 2022-08-09. Review status: criteria provided, single submitter. Criteria: Invitae Variant Classification Sherloc (09022015). Collection method: clinical testing. Allele origin: germline.
Comment: This variant is present in population databases (rs574592042, gnomAD 0.02%). This sequence change replaces alanine, which is neutral and non-polar, with serine, which is neutral and polar, at codon 10 of the ORC6 protein (p.Ala10Ser). This variant has not been reported in the literature in individuals affected with ORC6-related conditions. In summary, the available evidence is currently insufficient to determine the role of this variant in disease. Therefore, it has been classified as a Variant of Uncertain Significance. Algorithms developed to predict the effect of missense changes on protein structure and function are either unavailable or do not agree on the potential impact of this missense change (SIFT: "Tolerated"; PolyPhen-2: "Possibly Damaging"; Align-GVGD: "Class C15"). ClinVar contains an entry for this variant (Variation ID: 1480928).

NM_014321.4(ORC6):c.28G>T (p.Ala10Ser)

Gene: ORC6 (origin recognition complex subunit 6; plus strand). Cytogenetic location: 16q11.2.
Variant type: single nucleotide variant.
Coding change: c.28G>T on transcript NM_014321.4 (MANE Select); coding-DNA position 28, G replaced by T.
Protein change: p.Ala10Ser; replaces alanine 10 with serine.
Molecular consequence: missense variant. On other transcripts: non-coding transcript variant (1).
Genome position (GRCh38, 1-based): chr16:46,689,733, G>T. VCF-style: chr16-46689733-G-T. GRCh37 (hg19) VCF-style: chr16-46723645-G-T.
Other names: c.28G>T (NM_014321.3); short protein forms A10S.
Identifiers: ClinVar variation 1480928 (VCV001480928.7), dbSNP rs574592042, ClinGen allele CA8037254.
Genomic context (GRCh38, chr16:46,689,733, plus strand): 5'-TTCACGGGAATTGTTCGCTTTAGTGCCGGCGCCATGGGGTCGGAGCTGATCGGGCGCCTA[G>T]CCCCGCGCCTGGGCCTCGCCGAGCCCGACATGCTGAGGTGAGTTCGGCCGCGCAAGACCA-3'
Protein context (NP_055136.1, residues 1-20): MGSELIGRL[Ala10Ser]PRLGLAEPDM